The following is an entry in ClinVar:

NM_012156.2(EPB41L1):c.1182G>A (p.Arg394=)

Gene: EPB41L1 (erythrocyte membrane protein band 4.1 like 1; plus strand). Cytogenetic location: 20q11.23.
Variant type: single nucleotide variant.
Coding change: c.1182G>A on transcript NM_012156.2 (MANE Select); coding-DNA position 1182, G replaced by A.
Protein change: p.Arg394=; no amino-acid change (arginine 394 retained).
Molecular consequence: synonymous variant.
Genome position (GRCh38, 1-based): chr20:36,190,679, G>A. VCF-style: chr20-36190679-G-A. GRCh37 (hg19) VCF-style: chr20-34778601-G-A.
Other names: c.1182G>A, p.Arg394= (NM_001258329.1); c.1089G>A, p.Arg363= (NM_001258330.1); c.996G>A, p.Arg332= (NM_001258331.2, NM_177996.2).
Identifiers: ClinVar variation 788625 (VCV000788625.28), dbSNP rs150197312, ClinGen allele CA9839801.
Genomic context (GRCh38, chr20:36,190,679, plus strand): 5'-CAGGCTGGTGTCCCCTGAGCCCCCACCCAAGGGCTTCCTGGTGATGGGCTCCAAGTTCCG[G>A]TACAGTGGGAGGACCCAGGCACAGACTCGCCAGGCCAGCGCCCTCATTGACCGGCCTGCA-3'
Protein context (NP_036288.2, residues 384-404): KGFLVMGSKF[Arg394=]YSGRTQAQTR

ClinVar aggregate classification (germline): Benign/Likely benign. Review status: criteria provided, multiple submitters, no conflicts (2 of 4 stars). 2 submissions from 2 submitters: Benign (1); Likely benign (1). Last evaluated 2023-12-01.

Allele frequency attached by ClinVar (database versions not stated): gnomAD exomes 0.00045; ExAC 0.00050; ESP Exome Variant Server 0.00062; 1000 Genomes Project 30x 0.00094; 1000 Genomes Project 0.00100; gnomAD 0.00150 and 0.00166; TOPMed 0.00150.

Submissions (2):

CeGaT Center for Human Genetics Tuebingen
Classification: Likely benign. Last evaluated: 2023-12-01. Review status: criteria provided, single submitter. Criteria: CeGaT Center For Human Genetics Tuebingen Variant Classification Criteria Version 2. Collection method: clinical testing. Allele origin: germline. Affected: yes. Observed: 2 variant alleles.
Comment: EPB41L1: BP4, BP7

Labcorp Genetics (formerly Invitae), Labcorp
Classification: Benign. Last evaluated: 2019-12-31. Review status: criteria provided, single submitter. Criteria: Invitae Variant Classification Sherloc (09022015). Collection method: clinical testing. Allele origin: germline.